The following is an entry in ClinVar:

ClinVar aggregate classification (germline): Likely benign. Review status: criteria provided, multiple submitters, no conflicts (2 of 4 stars). 6 submissions from 6 submitters: Likely benign (5). 1 of the submissions does not count toward it. Last evaluated 2025-11-25.

Conditions:
POLE-related disorder. Also called: POLE-related condition; POLE-related disorders.
Hereditary cancer-predisposing syndrome. Also called: Neoplastic Syndromes, Hereditary; Tumor predisposition; Hereditary Cancer Syndrome; Hereditary neoplastic syndrome. Identifiers: Orphanet 140162, MedGen C0027672, MeSH D009386, MONDO:0015356.

Allele frequency attached by ClinVar (database versions not stated): TOPMed below 0.00001; gnomAD exomes 0.00001; ExAC 0.00002.
gnomAD v4.1: 14 of 1,614,012 alleles (0.00087%); highest among the groups gnomAD compares: South Asian, 0.0066%; no homozygotes.

Submissions (6):

Labcorp Genetics (formerly Invitae), Labcorp
Classification: Likely benign. Last evaluated: 2025-11-25. Review status: criteria provided, single submitter. Criteria: Invitae Variant Classification Sherloc (09022015). Collection method: clinical testing. Allele origin: germline.

Center for Genomic Medicine, Rigshospitalet, Copenhagen University Hospital
Classification: Likely benign. Last evaluated: 2025-03-04. Review status: criteria provided, single submitter. Criteria: ACMG Guidelines, 2015. Collection method: clinical testing. Allele origin: germline.

GeneDx
Classification: Likely benign. Last evaluated: 2018-03-13. Review status: criteria provided, single submitter. Criteria: GeneDx Variant Classification (06012015). Collection method: clinical testing. Allele origin: germline. Affected: yes.
Comment: This variant is considered likely benign or benign based on one or more of the following criteria: it is a conservative change, it occurs at a poorly conserved position in the protein, it is predicted to be benign by multiple in silico algorithms, and/or has population frequency not consistent with disease.

Quest Diagnostics Nichols Institute San Juan Capistrano
Classification: Likely benign. Last evaluated: 2017-09-26. Review status: criteria provided, single submitter. Criteria: Quest Diagnostics criteria. Collection method: clinical testing. Allele origin: germline.

Ambry Genetics
Classification: Likely benign for Hereditary cancer-predisposing syndrome. Last evaluated: 2016-07-15. Review status: criteria provided, single submitter. Criteria: Ambry Variant Classification Scheme 2023. Collection method: clinical testing. Allele origin: germline.

PreventionGenetics, part of Exact Sciences
Classification: Likely benign for POLE-related condition. Last evaluated: 2024-05-02. Review status: no assertion criteria provided. Collection method: clinical testing. Allele origin: germline. Not counted in ClinVar's aggregate classification.
Comment: This variant is classified as likely benign based on ACMG/AMP sequence variant interpretation guidelines (Richards et al. 2015 PMID: 25741868, with internal and published modifications).

NM_006231.4(POLE):c.5346C>T (p.Tyr1782=)

Gene: POLE (DNA polymerase epsilon, catalytic subunit; minus strand). Cytogenetic location: 12q24.33.
Variant type: single nucleotide variant.
Coding change: c.5346C>T on transcript NM_006231.4 (MANE Select); coding-DNA position 5346, C replaced by T.
Protein change: p.Tyr1782=; no amino-acid change (tyrosine 1782 retained).
Molecular consequence: synonymous variant.
Genome position (GRCh38, 1-based): chr12:132,641,679, G>A on the plus strand (C>T on the coding strand, the complement: POLE is on the minus strand). VCF-style: chr12-132641679-G-A. GRCh37 (hg19) VCF-style: chr12-133218265-G-A.
Identifiers: ClinVar variation 413526 (VCV000413526.20), dbSNP rs761902063, ClinGen allele CA6892561.